The following is an entry in ClinVar:

NM_017849.4(TMEM127):c.124_125del (p.Thr42fs)

Genes: TMEM127 (transmembrane protein 127; minus strand), LOC129934333 (ATAC-STARR-seq lymphoblastoid silent region 11759; plus strand). Cytogenetic location: 2q11.2.
Variant type: Deletion.
Coding change: c.124_125del on transcript NM_017849.4 (MANE Select); coding-DNA positions 124 to 125, 2 bases deleted (AC; older notation c.124_125delAC).
Protein change: p.Thr42fs; shifts the reading frame from threonine 42.
Molecular consequence: frameshift variant.
Genome position (GRCh38, 1-based): chr2:96,265,257-96,265,258, GT deleted on the plus strand (AC on the coding strand, the reverse complement: TMEM127 is on the minus strand); deleting any 2 consecutive bases within chr2:96,265,257-96,265,259 gives the same sequence; the c. name uses the placement nearest the transcript's 3' end. VCF-style (leftmost placement, unchanged base first): chr2-96265256-CGT-C. GRCh37 (hg19) VCF-style: chr2-96930994-CGT-C.
Other names: c.124_125del, p.Thr42fs (NM_001193304.3); c.124_125delAC (NM_017849.3); short protein forms T42fs.
Identifiers: ClinVar variation 463835 (VCV000463835.7), dbSNP rs1553437737, ClinGen allele CA658657049.

ClinVar aggregate classification (germline): Pathogenic (1 of 4 stars; one submission).

Conditions:
Hereditary pheochromocytoma and paraganglioma. Also called: Hereditary Paraganglioma-Pheochromocytoma Syndromes; Hereditary paragangliomas and pheochromocytomas; Hereditary pheochromocytoma-paraganglioma. Identifiers: Orphanet 29072, MedGen C4274332, MONDO:0017366.

Submission:

Labcorp Genetics (formerly Invitae), Labcorp
Classification: Pathogenic for Hereditary pheochromocytoma and paraganglioma. Last evaluated: 2017-04-22. Review status: criteria provided, single submitter. Criteria: Invitae Variant Classification Sherloc (09022015). Collection method: clinical testing. Allele origin: germline.
Comment: For these reasons, this variant has been classified as Pathogenic. While this particular variant has not been reported in the literature, loss-of-function variants in TMEM127 are known to be pathogenic (PMID: 20154675, 21156949). This sequence change deletes 2 nucleotides from exon 2 of the TMEM127 mRNA (c.124_125delAC), causing a frameshift at codon 42. This creates a premature translational stop signal (p.Thr42Glyfs*65) and is expected to result in an absent or disrupted protein product.

Literature cited by the submitters: PubMed 20154675; PubMed 21156949.